The following is an entry in ClinVar:

NM_006231.4(POLE):c.1545C>G (p.Ile515Met)

Gene: POLE (DNA polymerase epsilon, catalytic subunit; minus strand). Cytogenetic location: 12q24.33.
Variant type: single nucleotide variant.
Coding change: c.1545C>G on transcript NM_006231.4 (MANE Select); coding-DNA position 1545, C replaced by G.
Protein change: p.Ile515Met; replaces isoleucine 515 with methionine.
Molecular consequence: missense variant.
Genome position (GRCh38, 1-based): chr12:132,672,768, G>C on the plus strand (C>G on the coding strand, the complement: POLE is on the minus strand). VCF-style: chr12-132672768-G-C. GRCh37 (hg19) VCF-style: chr12-133249354-G-C.
Other names: short protein forms I515M.
Identifiers: ClinVar variation 1319848 (VCV001319848.7), dbSNP rs749768300, ClinGen allele CA6893917.

ClinVar aggregate classification (germline): Conflicting classifications of pathogenicity. Review status: criteria provided, conflicting classifications (1 of 4 stars). 3 submissions from 3 submitters: Uncertain significance (2); Likely benign (1). Last evaluated 2026-04-06.

Conditions:
Hereditary cancer-predisposing syndrome. Also called: Neoplastic Syndromes, Hereditary; Tumor predisposition; Hereditary Cancer Syndrome; Hereditary neoplastic syndrome. Identifiers: Orphanet 140162, MedGen C0027672, MeSH D009386, MONDO:0015356.

Allele frequency attached by ClinVar (database versions not stated): gnomAD exomes below 0.00001; ExAC 0.00001.
gnomAD v4.1: 1 of 1,614,214 alleles (0.000062%); highest among the groups gnomAD compares: Non-Finnish European, 0.000085%; no homozygotes.

Submissions (3):

Ambry Genetics
Classification: Likely benign for Hereditary cancer-predisposing syndrome. Last evaluated: 2026-04-06. Review status: criteria provided, single submitter. Criteria: Ambry Variant Classification Scheme 2023. Collection method: clinical testing. Allele origin: germline.

Labcorp Genetics (formerly Invitae), Labcorp
Classification: Uncertain significance. Last evaluated: 2023-11-28. Review status: criteria provided, single submitter. Criteria: Invitae Variant Classification Sherloc (09022015). Collection method: clinical testing. Allele origin: germline.
Comment: This sequence change replaces isoleucine, which is neutral and non-polar, with methionine, which is neutral and non-polar, at codon 515 of the POLE protein (p.Ile515Met). This variant is present in population databases (rs749768300, gnomAD 0.0009%). This missense change has been observed in individual(s) with cutaneous melanoma (PMID: 26251183). ClinVar contains an entry for this variant (Variation ID: 1319848). Advanced modeling of protein sequence and biophysical properties (such as structural, functional, and spatial information, amino acid conservation, physicochemical variation, residue mobility, and thermodynamic stability) has been performed at Invitae for this missense variant, however the output from this modeling did not meet the statistical confidence thresholds required to predict the impact of this variant on POLE protein function. In summary, the available evidence is currently insufficient to determine the role of this variant in disease. Therefore, it has been classified as a Variant of Uncertain Significance.

Institute for Clinical Genetics, University Hospital TU Dresden, University Hospital TU Dresden
Classification: Uncertain significance. Last evaluated: 2021-11-03. Review status: criteria provided, single submitter. Criteria: ACMG Guidelines, 2015. Collection method: clinical testing. Allele origin: germline.

Literature cited by the submitters: PubMed 26251183 (cited by Labcorp Genetics (formerly Invitae), Labcorp).